The following is an entry in ClinVar:

NM_006031.6(PCNT):c.7058C>G (p.Pro2353Arg)

Gene: PCNT (pericentrin; plus strand). Cytogenetic location: 21q22.3.
Variant type: single nucleotide variant.
Coding change: c.7058C>G on transcript NM_006031.6 (MANE Select); coding-DNA position 7058, C replaced by G.
Protein change: p.Pro2353Arg; replaces proline 2353 with arginine.
Molecular consequence: missense variant.
Genome position (GRCh38, 1-based): chr21:46,422,003, C>G. VCF-style: chr21-46422003-C-G. GRCh37 (hg19) VCF-style: chr21-47841917-C-G.
Other names: c.6704C>G, p.Pro2235Arg (NM_001315529.2); c.7058C>G (NM_006031.5); short protein forms P2235R, P2353R.
Identifiers: ClinVar variation 1353492 (VCV001353492.9), dbSNP rs139978398, ClinGen allele CA10080509.

ClinVar aggregate classification (germline): Uncertain significance. Review status: criteria provided, multiple submitters, no conflicts (2 of 4 stars). 3 submissions from 3 submitters: Uncertain significance (3). Last evaluated 2026-09-21.

Conditions:
Inborn genetic diseases. Identifiers: MedGen C0950123, MeSH D030342.
PCNT-related disorder. Also called: PCNT-related condition.

Allele frequency attached by ClinVar (database versions not stated): gnomAD 0.00016 and 0.00017; 1000 Genomes Project 30x 0.00031; ESP Exome Variant Server 0.00031; 1000 Genomes Project 0.00040.
gnomAD v4.1: 102 of 1,614,084 alleles (0.0063%); highest among the groups gnomAD compares: African/African-American, 0.1%; no homozygotes.

Submissions (3):

PreventionGenetics, part of Exact Sciences
Classification: Uncertain significance for PCNT-related condition. Last evaluated: 2026-09-21. Review status: criteria provided, single submitter. Criteria: ACMG Guidelines, 2015. Collection method: clinical testing. Allele origin: germline.
Comment: The PCNT c.7058C>G variant is predicted to result in the amino acid substitution p.Pro2353Arg. To our knowledge, this variant has not been reported in the literature. This variant is reported in 0.080% of alleles in individuals of African descent in gnomAD, which is likely too frequent for an unreported disease-associated variant. Although we suspect that this variant may be benign, at this time, the clinical significance of this variant is uncertain due to the absence of conclusive functional and genetic evidence.

Labcorp Genetics (formerly Invitae), Labcorp
Classification: Uncertain significance. Last evaluated: 2026-01-12. Review status: criteria provided, single submitter. Criteria: Invitae Variant Classification Sherloc (09022015). Collection method: clinical testing. Allele origin: germline.
Comment: This sequence change replaces proline, which is neutral and non-polar, with arginine, which is basic and polar, at codon 2353 of the PCNT protein (p.Pro2353Arg). This variant is present in population databases (rs139978398, gnomAD 0.08%). This variant has not been reported in the literature in individuals affected with PCNT-related conditions. ClinVar contains an entry for this variant (Variation ID: 1353492). An algorithm developed to predict the effect of missense changes on protein structure and function outputs the following: PolyPhen-2: "Benign". The arginine amino acid residue is found in multiple mammalian species, which suggests that this missense change does not adversely affect protein function. In summary, the available evidence is currently insufficient to determine the role of this variant in disease. Therefore, it has been classified as a Variant of Uncertain Significance.

Ambry Genetics
Classification: Uncertain significance for Inborn genetic diseases. Last evaluated: 2024-10-07. Review status: criteria provided, single submitter. Criteria: Ambry Variant Classification Scheme 2023. Collection method: clinical testing. Allele origin: germline.